The following is an entry in ClinVar:

Conditions:
Breast-ovarian cancer, familial, susceptibility to, 1 (BROVCA1). Also called: BRCA1 Hereditary Breast and Ovarian Cancer; OVARIAN CANCER, SUSCEPTIBILITY TO. Identifiers: Orphanet 145, MedGen C2676676, MONDO:0011450, OMIM 604370. Disease mechanism: loss of function.

Submission:

Brotman Baty Institute, University of Washington
No classification provided (evidence only). Condition: Breast-ovarian cancer, familial 1. Review status: no classification provided. Collection method: in vitro. Allele origin: not applicable. Functional consequence: functionally_normal.
ClinVar note: "not provided" was previously submitted as the classification for the variant. However, the classification appeared to be based only on an observation of functional data so it was converted to no classification on 2025-07-30.

NM_007294.4(BRCA1):c.149A>G (p.Lys50Arg)

Gene: BRCA1 (BRCA1 DNA repair associated; minus strand). Cytogenetic location: 17q21.31.
Variant type: single nucleotide variant.
Coding change: c.149A>G on transcript NM_007294.4 (MANE Select); coding-DNA position 149, A replaced by G.
Protein change: p.Lys50Arg; replaces lysine 50 with arginine.
Molecular consequence: missense variant. On other transcripts: non-coding transcript variant (1).
Genome position (GRCh38, 1-based): chr17:43,106,519, T>C on the plus strand (A>G on the coding strand, the complement: BRCA1 is on the minus strand). VCF-style: chr17-43106519-T-C. GRCh37 (hg19) VCF-style: chr17-41258536-T-C.
Other names: c.8A>G, p.Lys3Arg (NM_001407749.1, NM_001407750.1, NM_001407751.1 and 99 more transcripts); c.-40A>G (NM_001407853.1, NM_001407879.1, NM_001407881.1 and 58 more transcripts); c.149A>G, p.Lys50Arg (NM_001407854.1, NM_001407858.1, NM_001407859.1 and 168 more transcripts); short protein forms K3R, K50R.
Identifiers: ClinVar variation 868225 (VCV000868225.3), dbSNP rs2054791529, ClinGen allele CA10601858.